The following is an entry in ClinVar:

NM_152564.5(VPS13B):c.938-20_938-18delinsTAATTTTAATTTTTTAAATTAATTTAAAATTAATTAATTAATTAATAAATAAATTAATTAATTAATAAAAA

Gene: VPS13B (vacuolar protein sorting 13 homolog B; plus strand). Cytogenetic location: 8q22.2.
Variant type: Indel.
Coding change: c.938-20_938-18delinsTAATTTTAATTTTTTAAATTAATTTAAAATTAATTAATTAATTAATAAATAAATTAATTAATTAATAAAAA on transcript NM_152564.5 (MANE Select); 20 bases into the intron before coding-DNA position 938 through 18 bases into the intron before coding-DNA position 938, the reference bases replaced by an inserted sequence.
Molecular consequence: intron variant.
Genome position (GRCh38, 1-based): chr8:99,121,157-99,121,159, 3 bases replaced. GRCh37 (hg19): chr8:100,133,385-100,133,387.
Other names: c.938-20_938-18delinsTAATTTTAATTTTTTAAATTAATTTAAAATTAATTAATTAATTAATAAATAAATTAATTAATTAATAAAAA (NM_017890.5, NM_015243.3, NM_181661.3).
Identifiers: ClinVar variation 5004187 (VCV005004187.1).

ClinVar aggregate classification (germline): Uncertain significance (1 of 4 stars; one submission).

Conditions:
Cohen syndrome (COH1). Also called: Cutis verticis gyrata, retinitis pigmentosa, and sensorineural deafness; PEPPER SYNDROME. Identifiers: Orphanet 193, MedGen C0265223, MONDO:0008999, OMIM 216550.

Submission:

Myriad Genetics, Inc.
Classification: Uncertain significance for Cohen syndrome. Last evaluated: 2025-10-03. Review status: criteria provided, single submitter. Criteria: Myriad Autosomal Dominant, Autosomal Recessive and X-Linked Classification Criteria (2023). Collection method: clinical testing. Allele origin: unknown.
Comment: NM_017890.4(VPS13B):c.938-20_938-18del3ins71 is an intronic variant classified as a variant of uncertain significance in the context of Cohen syndrome. c.938-20_938-18del3ins71 has not been observed in cases with relevant disease. Relevant functional assessments of this variant are not available in the literature. c.938-20_938-18del3ins71 has not been observed in referenced population frequency databases. In summary, there is insufficient evidence to classify NM_017890.4(VPS13B):c.938-20_938-18del3ins71 as pathogenic or benign. Please note: this variant was assessed in the context of healthy population screening.